The following is an entry in ClinVar:

ClinVar aggregate classification (germline): Likely benign (1 of 4 stars; one submission).

Allele frequency attached by ClinVar (database versions not stated): ExAC 0.00003; gnomAD 0.00004; TOPMed 0.00006; ESP Exome Variant Server 0.00008.
gnomAD v4.1: 33 of 1,613,928 alleles (0.002%); highest among the groups gnomAD compares: African/African-American, 0.0027%; no homozygotes.

Submission:

CeGaT Center for Human Genetics Tuebingen
Classification: Likely benign. Last evaluated: 2023-07-01. Review status: criteria provided, single submitter. Criteria: CeGaT Center For Human Genetics Tuebingen Variant Classification Criteria Version 2. Collection method: clinical testing. Allele origin: germline. Affected: yes. Observed: 1 variant allele.
Comment: CAMTA1: BP4, BP7

NM_015215.4(CAMTA1):c.3123A>G (p.Val1041=)

Gene: CAMTA1 (calmodulin binding transcription activator 1; plus strand). Cytogenetic location: 1p36.23.
Variant type: single nucleotide variant.
Coding change: c.3123A>G on transcript NM_015215.4 (MANE Select); coding-DNA position 3123, A replaced by G.
Protein change: p.Val1041=; no amino-acid change (valine 1041 retained).
Molecular consequence: synonymous variant.
Genome position (GRCh38, 1-based): chr1:7,736,400, A>G. VCF-style: chr1-7736400-A-G. GRCh37 (hg19) VCF-style: chr1-7796460-A-G.
Other names: c.3033A>G, p.Val1011= (NM_001349608.2, NM_001349612.2); c.3123A>G, p.Val1041= (NM_001349609.2, NM_001349610.2, NM_001410737.1); c.252A>G, p.Val84= (NM_001349613.1); c.195A>G, p.Val65= (NM_001349614.1, NM_001349615.2, NM_001349616.2 and 10 more transcripts); c.3051A>G, p.Val1017= (NM_001410738.1).
Identifiers: ClinVar variation 2638137 (VCV002638137.24), dbSNP rs376995273, ClinGen allele CA566844.